The following is an entry in ClinVar:

ClinVar aggregate classification (germline): Pathogenic (1 of 4 stars; one submission).

Conditions:
DICER1-related tumor predisposition. Also called: DICER1-related pleuropulmonary blastoma cancer predisposition syndrome; DICER1 syndrome. Identifiers: Orphanet 284343, MedGen C3839822, MONDO:0100216.

Submission:

Foulkes Cancer Genetics LDI, Lady Davis Institute for Medical Research
Classification: Pathogenic for Pleuropulmonary blastoma. Last evaluated: 2019-07-01. Review status: criteria provided, single submitter. Criteria: ACMG Guidelines, 2015. Collection method: curation. Allele origin: de novo, somatic. Affected: yes. Observed: 2 variant alleles.
Comment: ACMG criteria met: PVS1, PM2, PP4

Literature cited by the submitters: PubMed 26925222.

NM_177438.3(DICER1):c.1165_1174dup (p.Arg392delinsProIleTer)

Gene: DICER1 (dicer 1, ribonuclease III; minus strand). Cytogenetic location: 14q32.13.
Variant type: Duplication.
Coding change: c.1165_1174dup on transcript NM_177438.3 (MANE Select); coding-DNA positions 1165 to 1174, 10 bases duplicated (CCATATGAGC; older notation c.1165_1174dupCCATATGAGC).
Protein change: p.Arg392delinsProIleTer.
Molecular consequence: nonsense.
Genome position (GRCh38, 1-based): chr14:95,124,398-95,124,407, GCTCATATGG duplicated on the plus strand (CCATATGAGC on the coding strand, the reverse complement: DICER1 is on the minus strand). VCF-style (leftmost placement, unchanged base first): chr14-95124397-C-CGCTCATATGG. GRCh37 (hg19) VCF-style: chr14-95590734-C-CGCTCATATGG.
Other names: c.1165_1174dup, p.Arg392delinsProIleTer (NM_001195573.1, NM_001271282.3, NM_001291628.2 and 1 more transcripts).
Identifiers: ClinVar variation 933048 (VCV000933048.3), dbSNP rs1893211484, ClinGen allele CA645578806.